The following is an entry in ClinVar:

NM_020247.5(COQ8A):c.1919_*1del (p.Tyr640_Ter648delinsXaa)

Gene: COQ8A (coenzyme Q8A; plus strand). Cytogenetic location: 1q42.13.
Variant type: Deletion.
Coding change: c.1919_*1del on transcript NM_020247.5 (MANE Select); coding-DNA position 1919 through 1 bases downstream of the stop codon, 27 bases deleted (ACTGCAAGAGGCAGGCCCAGCAGTAGG).
Protein change: p.Tyr640_Ter648delinsXaa.
Molecular consequence: stop lost.
Genome position (GRCh38, 1-based): chr1:226,986,712-226,986,738, ACTGCAAGAGGCAGGCCCAGCAGTAGG deleted. VCF-style (leftmost placement, unchanged base first): chr1-226986711-TACTGCAAGAGGCAGGCCCAGCAGTAGG-T. GRCh37 (hg19) VCF-style: chr1-227174412-TACTGCAAGAGGCAGGCCCAGCAGTAGG-T.
Identifiers: ClinVar variation 1339599 (VCV001339599.2), dbSNP rs763379245, ClinGen allele CA1425707.

ClinVar aggregate classification (germline): Uncertain significance (1 of 4 stars; one submission).

Allele frequency attached by ClinVar (database versions not stated): gnomAD exomes below 0.00001; ExAC 0.00001; gnomAD 0.00001; TOPMed 0.00002.

Submission:

GeneDx
Classification: Uncertain significance. Last evaluated: 2022-01-20. Review status: criteria provided, single submitter. Criteria: GeneDx Variant Classification Process June 2021. Collection method: clinical testing. Allele origin: germline. Affected: yes.
Comment: Has not been previously published as pathogenic or benign to our knowledge; Not observed at significant frequency in large population cohorts (gnomAD); Frameshift variant predicted to result in protein truncation as the last 8 amino acids are replaced with 26 different amino acids, although loss-of-function variants have not been reported downstream of this position in the protein